The following is an entry in ClinVar:

ClinVar aggregate classification (germline): Likely benign. Review status: criteria provided, multiple submitters, no conflicts (2 of 4 stars). 3 submissions from 3 submitters: Likely benign (3). Last evaluated 2025-05-29.

Conditions:
Glycogen storage disease, type II (IOPD). Also called: CARDIOMEGALIA GLYCOGENICA DIFFUSA; GLYCOGENOSIS, GENERALIZED, CARDIAC FORM; GSD II; Glycogen storage disease type 2; Acid maltase deficiency disease; Aglucosidase alfa. Identifiers: Orphanet 365, MedGen C0017921, MONDO:0009290, OMIM 232300.

Submissions (3):

Labcorp Genetics (formerly Invitae), Labcorp
Classification: Likely benign for Glycogen storage disease, type II. Last evaluated: 2025-05-29. Review status: criteria provided, single submitter. Criteria: Invitae Variant Classification Sherloc (09022015). Collection method: clinical testing. Allele origin: germline.

Blueprint Genetics
Classification: Likely benign. Last evaluated: 2024-11-14. Review status: criteria provided, single submitter. Criteria: ACMG Guidelines, 2015. Collection method: clinical testing. Allele origin: germline.

GeneDx
Classification: Likely benign. Last evaluated: 2017-10-05. Review status: criteria provided, single submitter. Criteria: GeneDx Variant Classification (06012015). Collection method: clinical testing. Allele origin: germline. Affected: yes.
Comment: This variant is considered likely benign or benign based on one or more of the following criteria: it is a conservative change, it occurs at a poorly conserved position in the protein, it is predicted to be benign by multiple in silico algorithms, and/or has population frequency not consistent with disease.

NM_000152.5(GAA):c.1437+20G>A

Gene: GAA (alpha glucosidase; plus strand). Cytogenetic location: 17q25.3.
Variant type: single nucleotide variant.
Coding change: c.1437+20G>A on transcript NM_000152.5 (MANE Select); 20 bases into the intron after coding-DNA position 1437, G replaced by A.
Molecular consequence: intron variant.
Genome position (GRCh38, 1-based): chr17:80,110,075, G>A. VCF-style: chr17-80110075-G-A. GRCh37 (hg19) VCF-style: chr17-78083874-G-A.
Other names: c.1437+20G>A (LRG_673t1, NM_001079803.3, NM_001079804.3).
Identifiers: ClinVar variation 512133 (VCV000512133.7), dbSNP rs768737799, ClinGen allele CA627699403.